The following is an entry in ClinVar:

NM_001351132.2(PEX5):c.113G>T (p.Gly38Val)

Gene: PEX5 (peroxisomal biogenesis factor 5; plus strand). Cytogenetic location: 12p13.31.
Variant type: single nucleotide variant.
Coding change: c.113G>T on transcript NM_001351132.2 (MANE Select); coding-DNA position 113, G replaced by T.
Protein change: p.Gly38Val; replaces glycine 38 with valine.
Molecular consequence: missense variant.
Genome position (GRCh38, 1-based): chr12:7,190,490, G>T. VCF-style: chr12-7190490-G-T. GRCh37 (hg19) VCF-style: chr12-7343086-G-T.
Other names: c.113G>T, p.Gly38Val (NM_000319.5, NM_001131023.2, NM_001131024.2 and 22 more transcripts); short protein forms G38V.
Identifiers: ClinVar variation 1931103 (VCV001931103.2), dbSNP rs2135878787, ClinGen allele CA383708025.

ClinVar aggregate classification (germline): Uncertain significance (1 of 4 stars; one submission).

Conditions:
Peroxisome biogenesis disorder 2B (PBD2B). Identifiers: Orphanet 44, MedGen C3550234, MONDO:0008736, OMIM 202370.

Allele frequency attached by ClinVar (database versions not stated): gnomAD exomes 0.00001.

Submission:

Labcorp Genetics (formerly Invitae), Labcorp
Classification: Uncertain significance for Peroxisome biogenesis disorder 2B. Last evaluated: 2022-03-29. Review status: criteria provided, single submitter. Criteria: Invitae Variant Classification Sherloc (09022015). Collection method: clinical testing. Allele origin: germline.
Comment: This sequence change replaces glycine, which is neutral and non-polar, with valine, which is neutral and non-polar, at codon 38 of the PEX5 protein (p.Gly38Val). This variant is not present in population databases (gnomAD no frequency). This variant has not been reported in the literature in individuals affected with PEX5-related conditions. Algorithms developed to predict the effect of missense changes on protein structure and function (SIFT, PolyPhen-2, Align-GVGD) all suggest that this variant is likely to be tolerated. In summary, the available evidence is currently insufficient to determine the role of this variant in disease. Therefore, it has been classified as a Variant of Uncertain Significance.